The following is an entry in ClinVar:

NM_018429.3(BDP1):c.3730T>A (p.Phe1244Ile)

Gene: BDP1 (BDP1 general transcription factor IIIB subunit; plus strand). Cytogenetic location: 5q13.2.
Variant type: single nucleotide variant.
Coding change: c.3730T>A on transcript NM_018429.3 (MANE Select); coding-DNA position 3730, T replaced by A.
Protein change: p.Phe1244Ile; replaces phenylalanine 1244 with isoleucine.
Molecular consequence: missense variant.
Genome position (GRCh38, 1-based): chr5:71,510,822, T>A. VCF-style: chr5-71510822-T-A. GRCh37 (hg19) VCF-style: chr5-70806649-T-A.
Other names: p.Phe1244Ile; short protein forms F1244I.
Identifiers: ClinVar variation 508086 (VCV000508086.6), dbSNP rs1961760, ClinGen allele CA3296523.

ClinVar aggregate classification (germline): Benign. Review status: criteria provided, multiple submitters, no conflicts (2 of 4 stars). 4 submissions from 4 submitters: Benign (4). Last evaluated 2021-07-14.

Conditions:
Hearing loss, autosomal recessive 112. Also called: DEAFNESS, AUTOSOMAL RECESSIVE 112. Identifiers: MedGen C4748855, MONDO:0032639, OMIM 618257.

Allele frequency attached by ClinVar (database versions not stated): TOPMed 0.42807; 1000 Genomes Project 30x 0.43645; gnomAD 0.44739 and 0.44855; gnomAD exomes 0.48163; 1000 Genomes Project 0.43990; ESP Exome Variant Server 0.45353.
gnomAD v4.1: 771,619 of 1,612,654 alleles (48%); highest among the groups gnomAD compares: South Asian, 55%; 187,022 homozygotes.

Submissions (4):

Genome-Nilou Lab
Classification: Benign for Hearing loss, autosomal recessive 112. Last evaluated: 2021-07-14. Review status: criteria provided, single submitter. Criteria: ACMG Guidelines, 2015. Collection method: clinical testing. Allele origin: germline. Affected: no.

Mayo Clinic Laboratories, Mayo Clinic
Classification: Benign. Last evaluated: 2019-08-05. Review status: criteria provided, single submitter. Criteria: ACMG Guidelines, 2015. Collection method: clinical testing. Allele origin: germline. Observed: 74 variant alleles.

GeneDx
Classification: Benign. Last evaluated: 2017-05-09. Review status: criteria provided, single submitter. Criteria: GeneDx Variant Classification (06012015). Collection method: clinical testing. Allele origin: germline. Affected: yes.
Comment: This variant is considered likely benign or benign based on one or more of the following criteria: it is a conservative change, it occurs at a poorly conserved position in the protein, it is predicted to be benign by multiple in silico algorithms, and/or has population frequency not consistent with disease.

Breakthrough Genomics
Classification: Benign. Review status: criteria provided, single submitter. Criteria: ACMG Guidelines, 2015. Collection method: not provided. Allele origin: germline. Inheritance: Autosomal recessive inheritance. Affected: yes.